The following is an entry in ClinVar:

ClinVar aggregate classification (germline): Uncertain significance (0 of 4 stars; one submission).

Allele frequency attached by ClinVar (database versions not stated): TOPMed below 0.00001; ExAC 0.00001; gnomAD exomes 0.00001.
gnomAD v4.1: 11 of 1,614,206 alleles (0.00068%); highest among the groups gnomAD compares: Non-Finnish European, 0.00076%; no homozygotes.

Submission:

Department of Pathology and Laboratory Medicine, Sinai Health System
Classification: Uncertain significance. Review status: no assertion criteria provided. Collection method: clinical testing. Allele origin: unknown. Affected: yes. Study: The Canadian Open Genetics Repository (COGR).
Comment: The SECISBP2 p.Asn232Ser variant was not identified in the literature nor was it identified in ClinVar. The variant was identified in dbSNP (ID: rs750548843) and in control databases in 2 of 251466 chromosomes at a frequency of 0.000007953 (Genome Aggregation Database March 6, 2019, v2.1.1). The variant was observed in the following populations: East Asian in 1 of 18394 chromosomes (freq: 0.000054) and European (non-Finnish) in 1 of 113744 chromosomes (freq: 0.000009), but was not observed in the African, Latino, Ashkenazi Jewish, European (Finnish), Other, or South Asian populations. The p.Asn232 residue is not conserved in mammals and computational analyses (PolyPhen-2, SIFT, AlignGVGD, BLOSUM, MutationTaster) do not suggest a high likelihood of impact to the protein; however, this information is not predictive enough to rule out pathogenicity. The variant occurs outside of the splicing consensus sequence and 2 of 4 in silico or computational prediction software programs (SpliceSiteFinder, MaxEntScan, NNSPLICE, GeneSplicer) predict a greater than 10% difference in splicing; this is not very predictive of pathogenicity. In summary, based on the above information the clinical significance of this variant cannot be determined with certainty at this time. This variant is classified as a variant of uncertain significance.

NM_024077.5(SECISBP2):c.695A>G (p.Asn232Ser)

Gene: SECISBP2 (SECIS binding protein 2; plus strand). Cytogenetic location: 9q22.2.
Variant type: single nucleotide variant.
Coding change: c.695A>G on transcript NM_024077.5 (MANE Select); coding-DNA position 695, A replaced by G.
Protein change: p.Asn232Ser; replaces asparagine 232 with serine.
Molecular consequence: missense variant. On other transcripts: 5 prime UTR variant (1).
Genome position (GRCh38, 1-based): chr9:89,328,780, A>G. VCF-style: chr9-89328780-A-G. GRCh37 (hg19) VCF-style: chr9-91943695-A-G.
Other names: c.692A>G, p.Asn231Ser (NM_001282688.2); c.476A>G, p.Asn159Ser (NM_001282689.2); c.491A>G, p.Asn164Ser (NM_001282690.1); c.695A>G, p.Asn232Ser (NM_001354696.2, NM_001354697.2, NM_001354698.2); c.-153A>G (NM_001354702.2); short protein forms N159S, N164S, N231S, N232S.
Identifiers: ClinVar variation 1049261 (VCV001049261.1), dbSNP rs750548843, ClinGen allele CA5117166.